The following is an entry in ClinVar:

NM_000245.4(MET):c.2114G>A (p.Ser705Asn)

Gene: MET (MET proto-oncogene, receptor tyrosine kinase; plus strand). Cytogenetic location: 7q31.2.
Variant type: single nucleotide variant.
Coding change: c.2114G>A on transcript NM_000245.4 (MANE Select); coding-DNA position 2114, G replaced by A.
Protein change: p.Ser705Asn; replaces serine 705 with asparagine.
Molecular consequence: missense variant.
Genome position (GRCh38, 1-based): chr7:116,758,470, G>A. VCF-style: chr7-116758470-G-A. GRCh37 (hg19) VCF-style: chr7-116398524-G-A.
Other names: c.2114G>A, p.Ser705Asn (NM_001127500.3, NM_001324401.3); c.824G>A, p.Ser275Asn (NM_001324402.2); c.2114G>A (NM_001127500.1); short protein forms S275N, S705N.
Identifiers: ClinVar variation 1018155 (VCV001018155.11), dbSNP rs1003586623, ClinGen allele CA164894220.

ClinVar aggregate classification (germline): Conflicting classifications of pathogenicity. Review status: criteria provided, conflicting classifications (1 of 4 stars). 2 submissions from 2 submitters: Uncertain significance (1); Likely benign (1). Last evaluated 2026-07-30.

Conditions:
Hereditary cancer-predisposing syndrome. Also called: Tumor predisposition; Hereditary Cancer Syndrome; Hereditary neoplastic syndrome; Neoplastic Syndromes, Hereditary. Identifiers: Orphanet 140162, MedGen C0027672, MeSH D009386, MONDO:0015356.
Renal cell carcinoma. Identifiers: Orphanet 217071, MedGen C0007134, MeSH D002292, MONDO:0005086, HP:0005584.

Allele frequency attached by ClinVar (database versions not stated): TOPMed below 0.00001.

Submissions (2):

Ambry Genetics
Classification: Likely benign for Hereditary cancer-predisposing syndrome. Last evaluated: 2026-07-30. Review status: criteria provided, single submitter. Criteria: Ambry Variant Classification Scheme 2023. Collection method: clinical testing. Allele origin: germline.

Labcorp Genetics (formerly Invitae), Labcorp
Classification: Uncertain significance for Renal cell carcinoma. Last evaluated: 2024-04-16. Review status: criteria provided, single submitter. Criteria: Invitae Variant Classification Sherloc (09022015). Collection method: clinical testing. Allele origin: germline.
Comment: This sequence change replaces serine, which is neutral and polar, with asparagine, which is neutral and polar, at codon 705 of the MET protein (p.Ser705Asn). This variant is not present in population databases (gnomAD no frequency). This variant has not been reported in the literature in individuals affected with MET-related conditions. ClinVar contains an entry for this variant (Variation ID: 1018155). Advanced modeling of protein sequence and biophysical properties (such as structural, functional, and spatial information, amino acid conservation, physicochemical variation, residue mobility, and thermodynamic stability) performed at Invitae indicates that this missense variant is not expected to disrupt MET protein function with a negative predictive value of 80%. In summary, the available evidence is currently insufficient to determine the role of this variant in disease. Therefore, it has been classified as a Variant of Uncertain Significance.